The following is an entry in ClinVar:

ClinVar aggregate classification (germline): Pathogenic (1 of 4 stars; one submission).

Conditions:
Hereditary breast ovarian cancer syndrome. Also called: Hereditary breast and/or ovarian cancer syndrome; Hereditary breast and ovarian cancer syndrome; Breast and ovarian cancer; Hereditary breast and ovarian cancer syndrome (HBOC); BRCA1- and BRCA2-Associated Hereditary Breast and Ovarian Cancer; Hereditary breast and ovarian cancer. Identifiers: Orphanet 145, MedGen C0677776, MeSH D061325, MONDO:0003582. Disease mechanism: loss of function.

Submission:

Labcorp Genetics (formerly Invitae), Labcorp
Classification: Pathogenic for Hereditary breast ovarian cancer syndrome. Last evaluated: 2025-12-23. Review status: criteria provided, single submitter. Criteria: Invitae Variant Classification Sherloc (09022015). Collection method: clinical testing. Allele origin: germline.
Comment: This sequence change creates a premature translational stop signal (p.Leu413Tyrfs*5) in the BRCA1 gene. It is expected to result in an absent or disrupted protein product. Loss-of-function variants in BRCA1 are known to be pathogenic (PMID: 20104584). This variant is not present in population databases (gnomAD no frequency). This variant has not been reported in the literature in individuals affected with BRCA1-related conditions. For these reasons, this variant has been classified as Pathogenic.

Literature cited by the submitters: PubMed 20104584.

NM_007294.4(BRCA1):c.1236_1237dup (p.Leu413fs)

Gene: BRCA1 (BRCA1 DNA repair associated; minus strand). Cytogenetic location: 17q21.31.
Variant type: Duplication.
Coding change: c.1236_1237dup on transcript NM_007294.4 (MANE Select); coding-DNA positions 1236 to 1237, 2 bases duplicated (AT; older notation c.1236_1237dupAT).
Protein change: p.Leu413fs; shifts the reading frame from leucine 413.
Molecular consequence: frameshift variant. On other transcripts: intron variant (137).
Genome position (GRCh38, 1-based): chr17:43,094,294-43,094,295, AT duplicated on the plus strand (AT on the coding strand, the reverse complement: BRCA1 is on the minus strand); duplicating any 2 consecutive bases within chr17:43,094,294-43,094,296 gives the same sequence; the c. name uses the placement nearest the transcript's 3' end. VCF-style (leftmost placement, unchanged base first): chr17-43094293-A-AAT. GRCh37 (hg19) VCF-style: chr17-41246310-A-AAT.
Other names: c.1110_1111dup, p.Leu371fs (NM_001407672.1, NM_001407673.1, NM_001407649.1 and 11 more transcripts); c.1113_1114dup, p.Leu372fs (NM_001407674.1, NM_001407675.1, NM_001407682.1 and 19 more transcripts); c.784+449_784+450dup (NM_001408397.1, NM_001408401.1, NM_001408396.1 and 13 more transcripts); c.664+449_664+450dup (NM_001408436.1, NM_001408444.1, NM_001408438.1 and 12 more transcripts); c.787+449_787+450dup (NM_001407980.1, NM_001407993.1, NM_001407976.1 and 19 more transcripts); c.652+449_652+450dup (NM_001408451.1); c.643+449_643+450dup (NM_001408464.1, NM_001408468.1, NM_001408465.1 and 3 more transcripts); c.523+449_523+450dup (NM_001408498.1, NM_001408501.1, NM_001408500.1 and 3 more transcripts); and 40 more; short protein forms L342fs, L413fs, L117fs, L302fs, L324fs, L325fs, L343fs, L371fs.
Identifiers: ClinVar variation 4726141 (VCV004726141.1).